The following is an entry in ClinVar:

ClinVar aggregate classification (germline): Uncertain significance (1 of 4 stars; one submission).

Conditions:
Dilated cardiomyopathy 1G (CMD1G). Identifiers: Orphanet 154, MedGen C1858763, MONDO:0011400, OMIM 604145.
Autosomal recessive limb-girdle muscular dystrophy type 2J (LGMDR10). Also called: MUSCULAR DYSTROPHY, LIMB-GIRDLE, AUTOSOMAL RECESSIVE 10; Limb-girdle muscular dystrophy, type 2J. Identifiers: Orphanet 140922, MedGen C1837342, MONDO:0012127, OMIM 608807.

Allele frequency attached by ClinVar (database versions not stated): TOPMed 0.00001.

Submission:

Labcorp Genetics (formerly Invitae), Labcorp
Classification: Uncertain significance for Dilated cardiomyopathy 1G; Autosomal recessive limb-girdle muscular dystrophy type 2J. Last evaluated: 2023-12-26. Review status: criteria provided, single submitter. Criteria: Invitae Variant Classification Sherloc (09022015). Collection method: clinical testing. Allele origin: germline.
Comment: This sequence change replaces alanine, which is neutral and non-polar, with glycine, which is neutral and non-polar, at codon 33687 of the TTN protein (p.Ala33687Gly). This variant is not present in population databases (gnomAD no frequency). This variant has not been reported in the literature in individuals affected with TTN-related conditions. Experimental studies and prediction algorithms are not available or were not evaluated, and the functional significance of this variant is currently unknown. This variant is located in the M band of TTN (PMID: 25589632). Non-truncating variants in this region may be relevant for neuromuscular disorders, but have not been definitively shown to cause cardiomyopathy (PMID: 23975875). In summary, the available evidence is currently insufficient to determine the role of this variant in disease. Therefore, it has been classified as a Variant of Uncertain Significance.

Literature cited by the submitters: PubMed 25589632; PubMed 23975875.

NM_001267550.2(TTN):c.101060C>G (p.Ala33687Gly)

Genes: TTN-AS1 (TTN antisense RNA 1; plus strand), TTN (titin; minus strand). Cytogenetic location: 2q31.2.
Variant type: single nucleotide variant.
Coding change: c.101060C>G on transcript NM_001267550.2 (MANE Select); coding-DNA position 101060, C replaced by G.
Protein change: p.Ala33687Gly; replaces alanine 33687 with glycine.
Molecular consequence: missense variant.
Genome position (GRCh38, 1-based): chr2:178,535,555, G>C on the plus strand (C>G on the coding strand, the complement: TTN is on the minus strand). VCF-style: chr2-178535555-G-C. GRCh37 (hg19) VCF-style: chr2-179400282-G-C.
Other names: c.96137C>G, p.Ala32046Gly (NM_001256850.1); c.73865C>G, p.Ala24622Gly (NM_003319.4); c.93356C>G, p.Ala31119Gly (NM_133378.4); c.74240C>G, p.Ala24747Gly (NM_133432.3); c.74441C>G, p.Ala24814Gly (NM_133437.4); short protein forms A24747G, A24814G, A31119G, A24622G, A32046G, A33687G.
Identifiers: ClinVar variation 2942113 (VCV002942113.3), dbSNP rs1292515357, ClinGen allele CA349421867.